The following is an entry in ClinVar:

NM_001114753.3(ENG):c.338G>A (p.Gly113Glu)

Gene: ENG (endoglin; minus strand). Cytogenetic location: 9q34.11.
Variant type: single nucleotide variant.
Coding change: c.338G>A on transcript NM_001114753.3 (MANE Select); coding-DNA position 338, G replaced by A.
Protein change: p.Gly113Glu; replaces glycine 113 with glutamic acid.
Molecular consequence: missense variant. On other transcripts: 5 prime UTR variant (1).
Genome position (GRCh38, 1-based): chr9:127,829,709, C>T on the plus strand (G>A on the coding strand, the complement: ENG is on the minus strand). VCF-style: chr9-127829709-C-T. GRCh37 (hg19) VCF-style: chr9-130591988-C-T.
Other names: c.338G>A (NM_001114753.1); c.338G>A, p.Gly113Glu (NM_000118.4, NM_001406715.1); c.-209G>A (NM_001278138.2); short protein forms G113E.
Identifiers: ClinVar variation 1482375 (VCV001482375.10), dbSNP rs1169024767, ClinGen allele CA374985761.

ClinVar aggregate classification (germline): Uncertain significance. Review status: criteria provided, multiple submitters, no conflicts (2 of 4 stars). 3 submissions from 3 submitters: Uncertain significance (3). Last evaluated 2024-02-22.

Conditions:
Hereditary hemorrhagic telangiectasia (HHT). Also called: ORW DISEASE; Osler Weber Rendu syndrome; OSLER-RENDU-WEBER DISEASE; Osler hemorrhagic telangiectasia syndrome. Identifiers: Orphanet 774, MedGen C0039445, MONDO:0019180. Disease mechanism: loss of function.
Cardiovascular phenotype. Identifiers: MedGen CN230736.
Telangiectasia, hereditary hemorrhagic, type 1 (HHT1). Also called: Osler Weber Rendu syndrome type 1; ENG-Related Hereditary Hemorrhagic Telangiectasia. Identifiers: Orphanet 774, MedGen C4551861, MONDO:0008535, OMIM 187300. Disease mechanism: loss of function.

Allele frequency attached by ClinVar (database versions not stated): gnomAD exomes below 0.00001; TOPMed 0.00001; gnomAD 0.00002.
gnomAD v4.1: 7 of 1,613,972 alleles (0.00043%); highest among the groups gnomAD compares: Middle Eastern, 0.016%; no homozygotes.

Submissions (3):

Fulgent Genetics
Classification: Uncertain significance for Telangiectasia, hereditary hemorrhagic, type 1. Last evaluated: 2024-02-22. Review status: criteria provided, single submitter. Criteria: ACMG Guidelines, 2015. Collection method: clinical testing. Allele origin: germline.

Ambry Genetics
Classification: Uncertain significance for Cardiovascular phenotype. Last evaluated: 2023-08-16. Review status: criteria provided, single submitter. Criteria: Ambry Variant Classification Scheme 2023. Collection method: clinical testing. Allele origin: germline.
Comment: The p.G113E variant (also known as c.338G>A), located in coding exon 3 of the ENG gene, results from a G to A substitution at nucleotide position 338. The glycine at codon 113 is replaced by glutamic acid, an amino acid with similar properties. This amino acid position is well conserved in available vertebrate species. In addition, this alteration is predicted to be tolerated by in silico analysis. Since supporting evidence is limited at this time, the clinical significance of this alteration remains unclear.

Labcorp Genetics (formerly Invitae), Labcorp
Classification: Uncertain significance for Hereditary hemorrhagic telangiectasia. Last evaluated: 2021-08-28. Review status: criteria provided, single submitter. Criteria: Invitae Variant Classification Sherloc (09022015). Collection method: clinical testing. Allele origin: germline.
Comment: In summary, the available evidence is currently insufficient to determine the role of this variant in disease. Therefore, it has been classified as a Variant of Uncertain Significance. Advanced modeling of protein sequence and biophysical properties (such as structural, functional, and spatial information, amino acid conservation, physicochemical variation, residue mobility, and thermodynamic stability) performed at Invitae indicates that this missense variant is not expected to disrupt ENG protein function. This variant has not been reported in the literature in individuals affected with ENG-related conditions. This variant is not present in population databases (ExAC no frequency). This sequence change replaces glycine with glutamic acid at codon 113 of the ENG protein (p.Gly113Glu). The glycine residue is moderately conserved and there is a moderate physicochemical difference between glycine and glutamic acid.